The following is an entry in ClinVar:

ClinVar aggregate classification (germline): Uncertain significance. Review status: criteria provided, multiple submitters, no conflicts (2 of 4 stars). 2 submissions from 2 submitters: Uncertain significance (2). Last evaluated 2025-06-22.

Allele frequency attached by ClinVar (database versions not stated): 1000 Genomes Project 30x 0.00016; gnomAD 0.00019; gnomAD exomes 0.00025; 1000 Genomes Project 0.00020; ESP Exome Variant Server 0.00023; TOPMed 0.00036; ExAC 0.00016.
gnomAD v4.1: 392 of 1,614,196 alleles (0.024%); highest among the groups gnomAD compares: Admixed American, 0.078%; 1 homozygote.

Submissions (2):

Labcorp Genetics (formerly Invitae), Labcorp
Classification: Uncertain significance. Last evaluated: 2025-06-22. Review status: criteria provided, single submitter. Criteria: Invitae Variant Classification Sherloc (09022015). Collection method: clinical testing. Allele origin: germline.
Comment: This sequence change replaces glutamine, which is neutral and polar, with arginine, which is basic and polar, at codon 77 of the STEAP3 protein (p.Gln77Arg). This variant is present in population databases (rs200273960, gnomAD 0.09%), and has an allele count higher than expected for a pathogenic variant. This variant has not been reported in the literature in individuals affected with STEAP3-related conditions. ClinVar contains an entry for this variant (Variation ID: 2364119). An algorithm developed to predict the effect of missense changes on protein structure and function (PolyPhen-2) suggests that this variant is likely to be tolerated. In summary, the available evidence is currently insufficient to determine the role of this variant in disease. Therefore, it has been classified as a Variant of Uncertain Significance.

Ambry Genetics
Classification: Uncertain significance. Last evaluated: 2024-08-19. Review status: criteria provided, single submitter. Criteria: Ambry Variant Classification Scheme 2023. Collection method: clinical testing. Allele origin: germline.

NM_182915.3(STEAP3):c.260A>G (p.Gln87Arg)

Genes: STEAP3 (STEAP3 metalloreductase; plus strand), STEAP3-AS1 (STEAP3 antisense RNA 1; minus strand). Cytogenetic location: 2q14.2.
Variant type: single nucleotide variant.
Coding change: c.260A>G on transcript NM_182915.3 (MANE Select); coding-DNA position 260, A replaced by G.
Protein change: p.Gln87Arg; replaces glutamine 87 with arginine.
Molecular consequence: missense variant. On other transcripts: non-coding transcript variant (1).
Genome position (GRCh38, 1-based): chr2:119,245,726, A>G. VCF-style: chr2-119245726-A-G. GRCh37 (hg19) VCF-style: chr2-120003302-A-G.
Other names: c.230A>G, p.Gln77Arg (NM_001008410.2, NM_018234.3, NM_138637.3); short protein forms Q77R, Q87R.
Identifiers: ClinVar variation 2364119 (VCV002364119.6), dbSNP rs200273960, ClinGen allele CA1846552.